The following is an entry in ClinVar:

ClinVar aggregate classification (germline): Uncertain significance (1 of 4 stars; one submission).

Conditions:
PURA-related severe neonatal hypotonia-seizures-encephalopathy syndrome (NEDRIHF). Also called: NEURODEVELOPMENTAL DISORDER WITH NEONATAL RESPIRATORY INSUFFICIENCY, HYPOTONIA, AND FEEDING DIFFICULTIES; PURA-Related Neurodevelopmental Disorders. Identifiers: Orphanet 438213, Orphanet 438216, MedGen C4015357, MONDO:1060108, OMIM 616158, MONDO:0018580.

Allele frequency attached by ClinVar (database versions not stated): gnomAD exomes below 0.00001 and 0.00001; TOPMed below 0.00001; ExAC 0.00001.
gnomAD v4.1: 1 of 1,614,166 alleles (0.000062%); highest among the groups gnomAD compares: Non-Finnish European, 0.000085%; no homozygotes.

Submission:

Labcorp Genetics (formerly Invitae), Labcorp
Classification: Uncertain significance for PURA-related severe neonatal hypotonia-seizures-encephalopathy syndrome. Last evaluated: 2021-09-21. Review status: criteria provided, single submitter. Criteria: Invitae Variant Classification Sherloc (09022015). Collection method: clinical testing. Allele origin: germline.
Comment: This sequence change replaces glutamic acid with glutamine at codon 283 of the PURA protein (p.Glu283Gln). The glutamic acid residue is highly conserved and there is a small physicochemical difference between glutamic acid and glutamine. This variant is present in population databases (rs750482815, ExAC 0.002%). This variant has not been reported in the literature in individuals affected with PURA-related conditions. Algorithms developed to predict the effect of missense changes on protein structure and function (SIFT, PolyPhen-2, Align-GVGD) all suggest that this variant is likely to be tolerated. In summary, the available evidence is currently insufficient to determine the role of this variant in disease. Therefore, it has been classified as a Variant of Uncertain Significance.

NM_005859.5(PURA):c.847G>C (p.Glu283Gln)

Gene: PURA (purine rich element binding protein A; plus strand). Cytogenetic location: 5q31.3.
Variant type: single nucleotide variant.
Coding change: c.847G>C on transcript NM_005859.5 (MANE Select); coding-DNA position 847, G replaced by C.
Protein change: p.Glu283Gln; replaces glutamic acid 283 with glutamine.
Molecular consequence: missense variant.
Genome position (GRCh38, 1-based): chr5:140,115,028, G>C. VCF-style: chr5-140115028-G-C. GRCh37 (hg19) VCF-style: chr5-139494613-G-C.
Other names: short protein forms E283Q.
Identifiers: ClinVar variation 1476820 (VCV001476820.6), dbSNP rs750482815, ClinGen allele CA3437511.
Genomic context (GRCh38, chr5:140,115,028, plus strand): 5'-GTGTGGGCCAAGTTCGGACACACCTTCTGCAAGTACTCGGAGGAGATGAAGAAGATTCAA[G>C]AGAAGCAGAGGGAGAAGCGGGCTGCCTGTGAGCAGCTTCACCAGCAGCAACAGCAGCAGC-3'
Protein context (NP_005850.1, residues 273-293): KYSEEMKKIQ[Glu283Gln]KQREKRAACE